The following is an entry in ClinVar:

ClinVar aggregate classification (germline): Uncertain significance (1 of 4 stars; one submission).

Conditions:
Inborn genetic diseases. Identifiers: MedGen C0950123, MeSH D030342.

Submission:

Ambry Genetics
Classification: Uncertain significance for Inborn genetic diseases. Last evaluated: 2026-03-10. Review status: criteria provided, single submitter. Criteria: Ambry Variant Classification Scheme 2023. Collection method: clinical testing. Allele origin: germline.
Comment: The p.F2030I variant (also known as c.6088T>A), located in coding exon 23 of the FANCM gene, results from a T to A substitution at nucleotide position 6088. The phenylalanine at codon 2030 is replaced by isoleucine, an amino acid with highly similar properties. This amino acid position is conserved. In addition, the in silico prediction for this alteration is inconclusive. Based on the available evidence, the clinical significance of this variant remains unclear.

NM_020937.4(FANCM):c.6088T>A (p.Phe2030Ile)

Gene: FANCM (FA complementation group M; plus strand). Cytogenetic location: 14q21.2.
Variant type: single nucleotide variant.
Coding change: c.6088T>A on transcript NM_020937.4 (MANE Select); coding-DNA position 6088, T replaced by A.
Protein change: p.Phe2030Ile; replaces phenylalanine 2030 with isoleucine.
Molecular consequence: missense variant.
Genome position (GRCh38, 1-based): chr14:45,199,949, T>A. VCF-style: chr14-45199949-T-A. GRCh37 (hg19) VCF-style: chr14-45669152-T-A.
Other names: c.6010T>A, p.Phe2004Ile (NM_001308133.2); short protein forms F2004I, F2030I.
Identifiers: ClinVar variation 4826022 (VCV004826022.1).